The following is an entry in ClinVar:

ClinVar aggregate classification (germline): Uncertain significance (1 of 4 stars; one submission).

Conditions:
Cardiovascular phenotype. Identifiers: MedGen CN230736.

Submission:

Ambry Genetics
Classification: Uncertain significance for Cardiovascular phenotype. Last evaluated: 2024-12-20. Review status: criteria provided, single submitter. Criteria: Ambry Variant Classification Scheme 2023. Collection method: clinical testing. Allele origin: germline.
Comment: The p.I61V variant (also known as c.181A>G), located in coding exon 1 of the KCNE3 gene, results from an A to G substitution at nucleotide position 181. The isoleucine at codon 61 is replaced by valine, an amino acid with highly similar properties. This amino acid position is highly conserved in available vertebrate species. In addition, the in silico prediction for this alteration is inconclusive. The evidence for this gene-disease relationship is limited; therefore, the clinical significance of this alteration is unclear.

NM_005472.5(KCNE3):c.181A>G (p.Ile61Val)

Gene: KCNE3 (potassium voltage-gated channel subfamily E regulatory subunit 3; minus strand). Cytogenetic location: 11q13.4.
Variant type: single nucleotide variant.
Coding change: c.181A>G on transcript NM_005472.5 (MANE Select); coding-DNA position 181, A replaced by G.
Protein change: p.Ile61Val; replaces isoleucine 61 with valine.
Molecular consequence: missense variant.
Genome position (GRCh38, 1-based): chr11:74,457,383, T>C on the plus strand (A>G on the coding strand, the complement: KCNE3 is on the minus strand). VCF-style: chr11-74457383-T-C. GRCh37 (hg19) VCF-style: chr11-74168428-T-C.
Other names: short protein forms I61V.
Identifiers: ClinVar variation 3862713 (VCV003862713.1).